The following is an entry in ClinVar:

NM_005502.4(ABCA1):c.4063G>T (p.Ala1355Ser)

Genes: ABCA1 (ATP binding cassette subfamily A member 1; minus strand), LOC121331340 (Sharpr-MPRA regulatory region 1797; plus strand). Cytogenetic location: 9q31.1.
Variant type: single nucleotide variant.
Coding change: c.4063G>T on transcript NM_005502.4 (MANE Select); coding-DNA position 4063, G replaced by T.
Protein change: p.Ala1355Ser; replaces alanine 1355 with serine.
Molecular consequence: missense variant.
Genome position (GRCh38, 1-based): chr9:104,810,912, C>A on the plus strand (G>T on the coding strand, the complement: ABCA1 is on the minus strand). VCF-style: chr9-104810912-C-A. GRCh37 (hg19) VCF-style: chr9-107573193-C-A.
Other names: short protein forms A1355S.
Identifiers: ClinVar variation 1737490 (VCV001737490.7), dbSNP rs760177708, ClinGen allele CA5168243.

ClinVar aggregate classification (germline): Uncertain significance. Review status: criteria provided, multiple submitters, no conflicts (2 of 4 stars). 2 submissions from 2 submitters: Uncertain significance (2). Last evaluated 2025-07-07.

Conditions:
Cardiovascular phenotype. Identifiers: MedGen CN230736.

Allele frequency attached by ClinVar (database versions not stated): TOPMed 0.00001; ExAC 0.00002; gnomAD 0.00002.

Submissions (2):

Labcorp Genetics (formerly Invitae), Labcorp
Classification: Uncertain significance. Last evaluated: 2025-07-07. Review status: criteria provided, single submitter. Criteria: Invitae Variant Classification Sherloc (09022015). Collection method: clinical testing. Allele origin: germline.
Comment: This sequence change replaces alanine, which is neutral and non-polar, with serine, which is neutral and polar, at codon 1355 of the ABCA1 protein (p.Ala1355Ser). This variant is present in population databases (rs760177708, gnomAD 0.002%). This variant has not been reported in the literature in individuals affected with ABCA1-related conditions. ClinVar contains an entry for this variant (Variation ID: 1737490). Invitae Evidence Modeling of protein sequence and biophysical properties (such as structural, functional, and spatial information, amino acid conservation, physicochemical variation, residue mobility, and thermodynamic stability) indicates that this missense variant is not expected to disrupt ABCA1 protein function with a negative predictive value of 95%. Algorithms developed to predict the effect of sequence changes on RNA splicing suggest that this variant may create or strengthen a splice site. In summary, the available evidence is currently insufficient to determine the role of this variant in disease. Therefore, it has been classified as a Variant of Uncertain Significance.

Ambry Genetics
Classification: Uncertain significance for Cardiovascular phenotype. Last evaluated: 2024-03-01. Review status: criteria provided, single submitter. Criteria: Ambry Variant Classification Scheme 2023. Collection method: clinical testing. Allele origin: germline.
Comment: The p.A1355S variant (also known as c.4063G>T), located in coding exon 28 of the ABCA1 gene, results from a G to T substitution at nucleotide position 4063. The alanine at codon 1355 is replaced by serine, an amino acid with similar properties. This amino acid position is conserved. In addition, the in silico prediction for this alteration is inconclusive. Since supporting evidence is limited at this time, the clinical significance of this alteration remains unclear.